The following is an entry in ClinVar:

ClinVar aggregate classification (germline): Uncertain significance (1 of 4 stars; one submission).

Allele frequency attached by ClinVar (database versions not stated): gnomAD exomes 0.00001 and 0.00002; TOPMed 0.00001; gnomAD 0.00002 and 0.00003; ExAC 0.00003.
gnomAD v4.1: 21 of 1,613,808 alleles (0.0013%); highest among the groups gnomAD compares: African/African-American, 0.004%; no homozygotes.

Submission:

Labcorp Genetics (formerly Invitae), Labcorp
Classification: Uncertain significance. Last evaluated: 2021-08-28. Review status: criteria provided, single submitter. Criteria: Invitae Variant Classification Sherloc (09022015). Collection method: clinical testing. Allele origin: germline.
Comment: This sequence change replaces threonine with methionine at codon 303 of the TBCE protein (p.Thr303Met). The threonine residue is moderately conserved and there is a moderate physicochemical difference between threonine and methionine. This variant is present in population databases (rs759360868, ExAC 0.01%). This variant has not been reported in the literature in individuals affected with TBCE-related conditions. Algorithms developed to predict the effect of missense changes on protein structure and function are either unavailable or do not agree on the potential impact of this missense change (SIFT: "Tolerated"; PolyPhen-2: "Probably Damaging"; Align-GVGD: "Class C0"). In summary, the available evidence is currently insufficient to determine the role of this variant in disease. Therefore, it has been classified as a Variant of Uncertain Significance.

NM_003193.5(TBCE):c.908C>T (p.Thr303Met)

Gene: TBCE (tubulin folding cofactor E; plus strand). Cytogenetic location: 1q42.3.
Variant type: single nucleotide variant.
Coding change: c.908C>T on transcript NM_003193.5 (MANE Select); coding-DNA position 908, C replaced by T.
Protein change: p.Thr303Met; replaces threonine 303 with methionine.
Molecular consequence: missense variant.
Genome position (GRCh38, 1-based): chr1:235,436,553, C>T. VCF-style: chr1-235436553-C-T. GRCh37 (hg19) VCF-style: chr1-235599868-C-T.
Other names: c.908C>T, p.Thr303Met (NM_001079515.3); c.1061C>T, p.Thr354Met (NM_001287801.2); c.569C>T, p.Thr190Met (NM_001287802.2); short protein forms T190M, T303M, T354M.
Identifiers: ClinVar variation 1388710 (VCV001388710.5), dbSNP rs759360868, ClinGen allele CA1464263.